The following is an entry in ClinVar:

NM_005732.4(RAD50):c.3437T>C (p.Ile1146Thr)

Genes: TH2-LCR (Th2 cytokine locus control region; plus strand), RAD50 (RAD50 double strand break repair protein; plus strand), TH2LCRR (T helper type 2 locus control region associated RNA; minus strand). Cytogenetic location: 5q31.1.
Variant type: single nucleotide variant.
Coding change: c.3437T>C on transcript NM_005732.4 (MANE Select); coding-DNA position 3437, T replaced by C.
Protein change: p.Ile1146Thr; replaces isoleucine 1146 with threonine.
Molecular consequence: missense variant.
Genome position (GRCh38, 1-based): chr5:132,637,162, T>C. VCF-style: chr5-132637162-T-C. GRCh37 (hg19) VCF-style: chr5-131972854-T-C.
Other names: short protein forms I1146T.
Identifiers: ClinVar variation 480476 (VCV000480476.15), dbSNP rs1554100862, ClinGen allele CA360930233.
Genomic context (GRCh38, chr5:132,637,162, plus strand): 5'-CTTCCTTTTCCAGAGCAATAATGAAATTTCACAGTATGAAAATGGAAGAAATCAATAAAA[T>C]TATACGTGACCTGTGGCGAAGTACCTATCGTGGACAAGGTGAGTACCATGGTGTATCACA-3'
Protein context (NP_005723.2, residues 1136-1156): HSMKMEEINK[Ile1146Thr]IRDLWRSTYR

ClinVar aggregate classification (germline): Uncertain significance. Review status: criteria provided, multiple submitters, no conflicts (2 of 4 stars). 3 submissions from 3 submitters: Uncertain significance (3). Last evaluated 2024-12-20.

Conditions:
Nijmegen breakage syndrome-like disorder (NBSLD). Also called: MICROCEPHALY AND SPONTANEOUS CHROMOSOME INSTABILITY WITHOUT IMMUNODEFICIENCY; NBS-LIKE DISORDER; RAD50 DEFICIENCY. Identifiers: Orphanet 240760, MedGen C2751318, MONDO:0013118, OMIM 613078.
Hereditary cancer-predisposing syndrome. Also called: Hereditary Cancer Syndrome; Neoplastic Syndromes, Hereditary; Tumor predisposition; Hereditary neoplastic syndrome. Identifiers: Orphanet 140162, MedGen C0027672, MeSH D009386, MONDO:0015356.

Allele frequency attached by ClinVar (database versions not stated): TOPMed below 0.00001; gnomAD 0.00001.
gnomAD v4.1: 1 of 1,612,168 alleles (0.000062%); highest among the groups gnomAD compares: Admixed American, 0.0017%; no homozygotes.

Submissions (3):

Ambry Genetics
Classification: Uncertain significance for Hereditary cancer-predisposing syndrome. Last evaluated: 2024-12-20. Review status: criteria provided, single submitter. Criteria: Ambry Variant Classification Scheme 2023. Collection method: clinical testing. Allele origin: germline.
Comment: The p.I1146T variant (also known as c.3437T>C), located in coding exon 22 of the RAD50 gene, results from a T to C substitution at nucleotide position 3437. The isoleucine at codon 1146 is replaced by threonine, an amino acid with similar properties. This amino acid position is highly conserved in available vertebrate species. In addition, the in silico prediction for this alteration is inconclusive. Since supporting evidence is limited at this time, the clinical significance of this alteration remains unclear.

Baylor Genetics
Classification: Uncertain significance for Nijmegen breakage syndrome-like disorder. Last evaluated: 2023-10-19. Review status: criteria provided, single submitter. Criteria: ACMG Guidelines, 2015. Collection method: clinical testing. Allele origin: unknown.

Labcorp Genetics (formerly Invitae), Labcorp
Classification: Uncertain significance for Hereditary cancer-predisposing syndrome. Last evaluated: 2023-07-21. Review status: criteria provided, single submitter. Criteria: Invitae Variant Classification Sherloc (09022015). Collection method: clinical testing. Allele origin: germline.
Comment: ClinVar contains an entry for this variant (Variation ID: 480476). In summary, the available evidence is currently insufficient to determine the role of this variant in disease. Therefore, it has been classified as a Variant of Uncertain Significance. Advanced modeling of protein sequence and biophysical properties (such as structural, functional, and spatial information, amino acid conservation, physicochemical variation, residue mobility, and thermodynamic stability) performed at Invitae indicates that this missense variant is not expected to disrupt RAD50 protein function. This variant has not been reported in the literature in individuals affected with RAD50-related conditions. This variant is not present in population databases (gnomAD no frequency). This sequence change replaces isoleucine, which is neutral and non-polar, with threonine, which is neutral and polar, at codon 1146 of the RAD50 protein (p.Ile1146Thr).